The following is an entry in ClinVar:

ClinVar aggregate classification (germline): Uncertain significance. Review status: criteria provided, multiple submitters, no conflicts (2 of 4 stars). 3 submissions from 3 submitters: Uncertain significance (3). Last evaluated 2022-03-09.

Conditions:
Glycogen storage disease due to muscle and heart glycogen synthase deficiency. Also called: GSD 0b; MUSCLE GLYCOGEN SYNTHASE DEFICIENCY. Identifiers: Orphanet 137625, MedGen C1969054, MONDO:0012693, OMIM 611556.

Allele frequency attached by ClinVar (database versions not stated): ExAC 0.00001; gnomAD 0.00001; gnomAD exomes 0.00001 and 0.00003; TOPMed 0.00002.
gnomAD v4.1: 44 of 1,613,690 alleles (0.0027%); highest among the groups gnomAD compares: Admixed American, 0.0033%; no homozygotes.

Submissions (3):

Labcorp Genetics (formerly Invitae), Labcorp
Classification: Uncertain significance for Glycogen storage disease due to muscle and heart glycogen synthase deficiency. Last evaluated: 2022-03-09. Review status: criteria provided, single submitter. Criteria: Invitae Variant Classification Sherloc (09022015). Collection method: clinical testing. Allele origin: germline.
Comment: This sequence change replaces threonine, which is neutral and polar, with methionine, which is neutral and non-polar, at codon 395 of the GYS1 protein (p.Thr395Met). This variant is present in population databases (rs748765779, gnomAD 0.003%). This variant has not been reported in the literature in individuals affected with GYS1-related conditions. ClinVar contains an entry for this variant (Variation ID: 893348). Algorithms developed to predict the effect of missense changes on protein structure and function are either unavailable or do not agree on the potential impact of this missense change (SIFT: "Tolerated"; PolyPhen-2: "Probably Damaging"; Align-GVGD: "Class C0"). In summary, the available evidence is currently insufficient to determine the role of this variant in disease. Therefore, it has been classified as a Variant of Uncertain Significance.

Baylor Genetics
Classification: Uncertain significance for Glycogen storage disease due to muscle and heart glycogen synthase deficiency. Last evaluated: 2018-10-05. Review status: criteria provided, single submitter. Criteria: ACMG Guidelines, 2015. Collection method: clinical testing. Allele origin: unknown. Affected: yes.
Comment: This variant was determined to be of uncertain significance according to ACMG Guidelines, 2015 [PMID:25741868].

Illumina Laboratory Services, Illumina
Classification: Uncertain significance for Glycogen storage disease due to muscle and heart glycogen synthase deficiency. Last evaluated: 2018-01-12. Review status: criteria provided, single submitter. Criteria: ICSL Variant Classification Criteria 13 December 2019. Collection method: clinical testing. Allele origin: germline.

NM_002103.5(GYS1):c.1184C>T (p.Thr395Met)

Gene: GYS1 (glycogen synthase 1; minus strand). Cytogenetic location: 19q13.33.
Variant type: single nucleotide variant.
Coding change: c.1184C>T on transcript NM_002103.5 (MANE Select); coding-DNA position 1184, C replaced by T.
Protein change: p.Thr395Met; replaces threonine 395 with methionine.
Molecular consequence: missense variant. On other transcripts: non-coding transcript variant (1).
Genome position (GRCh38, 1-based): chr19:48,978,143, G>A on the plus strand (C>T on the coding strand, the complement: GYS1 is on the minus strand). VCF-style: chr19-48978143-G-A. GRCh37 (hg19) VCF-style: chr19-49481400-G-A.
Other names: c.992C>T, p.Thr331Met (NM_001161587.2); short protein forms T395M, T331M.
Identifiers: ClinVar variation 893348 (VCV000893348.11), dbSNP rs748765779, ClinGen allele CA9563055.